The following is an entry in ClinVar:

NM_000548.5(TSC2):c.1825A>G (p.Ser609Gly)

Gene: TSC2 (TSC complex subunit 2; plus strand). Cytogenetic location: 16p13.3.
Variant type: single nucleotide variant.
Coding change: c.1825A>G on transcript NM_000548.5 (MANE Select); coding-DNA position 1825, A replaced by G.
Protein change: p.Ser609Gly; replaces serine 609 with glycine.
Molecular consequence: missense variant.
Genome position (GRCh38, 1-based): chr16:2,070,564, A>G. VCF-style: chr16-2070564-A-G. GRCh37 (hg19) VCF-style: chr16-2120565-A-G.
Other names: c.1825A>G, p.Ser609Gly (NM_001077183.3, NM_001114382.3, NM_001363528.2 and 3 more transcripts); c.1714A>G, p.Ser572Gly (NM_001318827.2); c.1678A>G, p.Ser560Gly (NM_001318829.2); c.1225A>G, p.Ser409Gly (NM_001318831.2); c.1858A>G, p.Ser620Gly (NM_001318832.2); short protein forms S560G, S620G, S409G, S572G, S609G.
Identifiers: ClinVar variation 1344941 (VCV001344941.2), dbSNP rs2151281861, ClinGen allele CA394272994.

ClinVar aggregate classification (germline): Uncertain significance (1 of 4 stars; one submission).

gnomAD v4.1: 1 of 1,613,166 alleles (0.000062%); highest among the groups gnomAD compares: East Asian, 0.0022%; no homozygotes.

Submission:

GeneDx
Classification: Uncertain significance. Last evaluated: 2022-03-21. Review status: criteria provided, single submitter. Criteria: GeneDx Variant Classification Process June 2021. Collection method: clinical testing. Allele origin: germline. Affected: yes.
Comment: Not observed in large population cohorts (gnomAD); In silico analysis supports that this missense variant has a deleterious effect on protein structure/function; This variant is associated with the following publications: (PMID: 28087349)